The following is an entry in ClinVar:

ClinVar aggregate classification (germline): Uncertain significance (1 of 4 stars; one submission).

Conditions:
Walker-Warburg congenital muscular dystrophy. Also called: Muscular dystrophy-dystroglycanopathy, type A; Walker-Warburg syndrome. Identifiers: Orphanet 899, MedGen C0265221, MONDO:0000171.

Submission:

Labcorp Genetics (formerly Invitae), Labcorp
Classification: Uncertain significance for Walker-Warburg congenital muscular dystrophy. Last evaluated: 2019-11-05. Review status: criteria provided, single submitter. Criteria: Invitae Variant Classification Sherloc (09022015). Collection method: clinical testing. Allele origin: germline.
Comment: This variant is not present in population databases (ExAC no frequency). In summary, the available evidence is currently insufficient to determine the role of this variant in disease. Therefore, it has been classified as a Variant of Uncertain Significance. Algorithms developed to predict the effect of missense changes on protein structure and function (SIFT, PolyPhen-2, Align-GVGD) all suggest that this variant is likely to be tolerated, but these predictions have not been confirmed by published functional studies and their clinical significance is uncertain. This variant has not been reported in the literature in individuals with FKRP-related conditions. This sequence change replaces alanine with threonine at codon 198 of the FKRP protein (p.Ala198Thr). The alanine residue is highly conserved and there is a small physicochemical difference between alanine and threonine.

NM_024301.5(FKRP):c.592G>A (p.Ala198Thr)

Gene: FKRP (fukutin related protein; plus strand). Cytogenetic location: 19q13.32.
Variant type: single nucleotide variant.
Coding change: c.592G>A on transcript NM_024301.5 (MANE Select); coding-DNA position 592, G replaced by A.
Protein change: p.Ala198Thr; replaces alanine 198 with threonine.
Molecular consequence: missense variant.
Genome position (GRCh38, 1-based): chr19:46,756,042, G>A. VCF-style: chr19-46756042-G-A. GRCh37 (hg19) VCF-style: chr19-47259299-G-A.
Other names: c.592G>A, p.Ala198Thr (NM_001039885.3); short protein forms A198T.
Identifiers: ClinVar variation 946085 (VCV000946085.9), dbSNP rs1222197114, ClinGen allele CA406495625.